The following is an entry in ClinVar:

NM_001042492.3(NF1):c.4965_4966del (p.Lys1655fs)

Gene: NF1 (neurofibromin 1; plus strand). Cytogenetic location: 17q11.2.
Variant type: Deletion.
Coding change: c.4965_4966del on transcript NM_001042492.3 (MANE Select); coding-DNA positions 4965 to 4966, 2 bases deleted (AA; older notation c.4965_4966delAA).
Protein change: p.Lys1655fs; shifts the reading frame from lysine 1655.
Molecular consequence: frameshift variant.
Genome position (GRCh38, 1-based): chr17:31,325,949-31,325,950, AA deleted; deleting any 2 consecutive bases within chr17:31,325,947-31,325,950 gives the same sequence; the c. name uses the placement nearest the transcript's 3' end. VCF-style (leftmost placement, unchanged base first): chr17-31325946-TAA-T. GRCh37 (hg19) VCF-style: chr17-29652964-TAA-T.
Other names: c.4902_4903delAA, p.Lys1634Asnfs (NM_000267.4); short protein forms K1655fs, K1634fs.
Identifiers: ClinVar variation 2133323 (VCV002133323.4), dbSNP rs1567611351, ClinGen allele CA2580092966.

ClinVar aggregate classification (germline): Pathogenic (1 of 4 stars; one submission).

Conditions:
Neurofibromatosis, type 1 (NF1). Also called: Peripheral type neurofibromatosis; NEUROFIBROMATOSIS, TYPE I, SOMATIC; Neurofibromatosis, type I; VON RECKLINGHAUSEN DISEASE. Identifiers: Orphanet 636, MedGen C0027831, MONDO:0018975, OMIM 162200. Disease mechanism: loss of function.

Submission:

Labcorp Genetics (formerly Invitae), Labcorp
Classification: Pathogenic for Neurofibromatosis, type 1. Last evaluated: 2022-05-04. Review status: criteria provided, single submitter. Criteria: Invitae Variant Classification Sherloc (09022015). Collection method: clinical testing. Allele origin: germline.
Comment: For these reasons, this variant has been classified as Pathogenic. This sequence change creates a premature translational stop signal (p.Lys1634Asnfs*6) in the NF1 gene. It is expected to result in an absent or disrupted protein product. Loss-of-function variants in NF1 are known to be pathogenic (PMID: 10712197, 23913538). This variant is not present in population databases (gnomAD no frequency). This variant has not been reported in the literature in individuals affected with NF1-related conditions.

Literature cited by the submitters: PubMed 10712197; PubMed 23913538.